The following is an entry in ClinVar:

ClinVar aggregate classification (germline): Uncertain significance (1 of 4 stars; one submission).

Allele frequency attached by ClinVar (database versions not stated): TOPMed below 0.00001.
gnomAD v4.1: 6 of 1,613,810 alleles (0.00037%); highest among the groups gnomAD compares: Non-Finnish European, 0.00051%; no homozygotes.

Submission:

GeneDx
Classification: Uncertain significance. Last evaluated: 2022-06-29. Review status: criteria provided, single submitter. Criteria: GeneDx Variant Classification Process June 2021. Collection method: clinical testing. Allele origin: germline. Affected: yes.
Comment: Not observed at significant frequency in large population cohorts (gnomAD); In silico analysis supports that this missense variant does not alter protein structure/function; Has not been previously published as pathogenic or benign to our knowledge

NM_152281.3(GORAB):c.530G>A (p.Arg177Lys)

Gene: GORAB (golgin, RAB6 interacting; plus strand). Cytogenetic location: 1q24.2.
Variant type: single nucleotide variant.
Coding change: c.530G>A on transcript NM_152281.3 (MANE Select); coding-DNA position 530, G replaced by A.
Protein change: p.Arg177Lys; replaces arginine 177 with lysine.
Molecular consequence: missense variant. On other transcripts: non-coding transcript variant (1).
Genome position (GRCh38, 1-based): chr1:170,544,713, G>A. VCF-style: chr1-170544713-G-A. GRCh37 (hg19) VCF-style: chr1-170513854-G-A.
Other names: c.530G>A, p.Arg177Lys (NM_001146039.2); c.65G>A, p.Arg22Lys (NM_001320252.2); c.479G>A, p.Arg160Lys (NM_001410894.1); short protein forms R160K, R177K, R22K.
Identifiers: ClinVar variation 1810107 (VCV001810107.1), dbSNP rs1424192547, ClinGen allele CA343164019.
Genomic context (GRCh38, chr1:170,544,713, plus strand): 5'-CACATGGTTTTAAAATGTTCTTATTTTCCCACTCACATACCTGATTTTCTAGATCCAAAA[G>A]AACTCAGGCAGAGACCATGAAACTAAAGCGGATCCAGAAGGAGTTGCAGGCTTTAGATGA-3'
Protein context (NP_689494.3, residues 167-187): LAKAIAERSK[Arg177Lys]TQAETMKLKR